The following is an entry in ClinVar:

ClinVar aggregate classification (germline): Likely pathogenic (1 of 4 stars; one submission).

Conditions:
Supravalvar aortic stenosis (SVAS). Also called: Supravalvar aortic stenosis, Eisenberg type. Identifiers: Orphanet 3193, MedGen C0003499, MONDO:0008504, OMIM 185500, HP:0004381.

Submission:

Victorian Clinical Genetics Services, Murdoch Childrens Research Institute
Classification: Likely pathogenic for Supravalvar aortic stenosis. Last evaluated: 2023-07-17. Review status: criteria provided, single submitter. Criteria: ACMG Guidelines, 2015. Collection method: clinical testing. Allele origin: germline. Inheritance: Autosomal dominant inheritance. Affected: yes.
Comment: Based on the classification scheme VCGS_Germline_v1.3.4, this variant is classified as Likely Pathogenic. Following criteria are met: 0102 - Loss of function is a known mechanism of disease in this gene and is associated with supravalvar aortic stenosis (MIM#185500). Dominant negative is a suggested mechanism of disease and is associated with cutis laxa (MIM#123700) (PMID: 29501665). (I) 0107 - This gene is associated with autosomal dominant disease. (I) 0112 - The condition associated with this gene has incomplete penetrance (PMIDs: 19844261, 10942104, 31577255, 30228022). (I) 0115 - Variants in this gene are known to have variable expressivity. Parent carriers have been reported with a milder presentation (PMIDs: 10942104, 31577255). (I) 0211 - Canonical splice site variant without proven consequence on splicing (no functional evidence available). (SP) 0251 - This variant is heterozygous. (I) 0301 - Variant is absent from gnomAD (both v2 and v3). (SP) 0505 - Abnormal splicing is predicted by in silico tools and affected nucleotide is highly conserved. (SP) 0705 - No comparable splice variants have previous evidence for pathogenicity. (I) 0807 - This variant has no previous evidence of pathogenicity. (I) 0905 - No published segregation evidence has been identified for this variant. (I) 1007 - No published functional evidence has been identified for this variant. (I) Legend: (SP) - Supporting pathogenic, (I) - Information, (SB) - Supporting benign

Literature cited by the submitters: PubMed 10942104; PubMed 19844261; PubMed 29501665; PubMed 31577255.

NM_000501.4(ELN):c.133+1G>T

Gene: ELN (elastin; plus strand). Cytogenetic location: 7q11.23.
Variant type: single nucleotide variant.
Coding change: c.133+1G>T on transcript NM_000501.4 (MANE Select); the canonical splice donor site of the intron after coding-DNA position 133, G replaced by T.
Molecular consequence: splice donor variant.
Genome position (GRCh38, 1-based): chr7:74,035,415, G>T. VCF-style: chr7-74035415-G-T. GRCh37 (hg19) VCF-style: chr7-73449745-G-T.
Other names: c.133+1G>T (NM_001278912.2, NM_001081755.3, NM_001278916.2 and 9 more transcripts).
Identifiers: ClinVar variation 3254767 (VCV003254767.1), dbSNP rs2484783425.